The following is an entry in ClinVar:

ClinVar aggregate classification (germline): Likely benign. Review status: criteria provided, multiple submitters, no conflicts (2 of 4 stars). 2 submissions from 2 submitters: Likely benign (2). Last evaluated 2026-01-07.

Conditions:
Tuberous sclerosis 2 (TSC2). Identifiers: Orphanet 805, MedGen C1860707, MONDO:0013199, OMIM 613254.

Allele frequency attached by ClinVar (database versions not stated): gnomAD 0.00001; TOPMed 0.00002; ExAC 0.00003; gnomAD exomes 0.00003.
gnomAD v4.1: 13 of 1,612,836 alleles (0.00081%); highest among the groups gnomAD compares: Admixed American, 0.0083%; no homozygotes.

Submissions (2):

Labcorp Genetics (formerly Invitae), Labcorp
Classification: Likely benign for Tuberous sclerosis 2. Last evaluated: 2026-01-07. Review status: criteria provided, single submitter. Criteria: Invitae Variant Classification Sherloc (09022015). Collection method: clinical testing. Allele origin: germline.

Myriad Genetics, Inc.
Classification: Likely benign for Tuberous sclerosis 2. Last evaluated: 2025-05-28. Review status: criteria provided, single submitter. Criteria: Myriad Autosomal Dominant, Autosomal Recessive and X-Linked Classification Criteria (2023). Collection method: clinical testing. Allele origin: unknown.
Comment: This variant is considered likely benign. This variant is intronic and is not expected to impact mRNA splicing.

NM_000548.5(TSC2):c.3132-17C>T

Gene: TSC2 (TSC complex subunit 2; plus strand). Cytogenetic location: 16p13.3.
Variant type: single nucleotide variant.
Coding change: c.3132-17C>T on transcript NM_000548.5 (MANE Select); 17 bases into the intron before coding-DNA position 3132, C replaced by T.
Molecular consequence: intron variant.
Genome position (GRCh38, 1-based): chr16:2,079,259, C>T. VCF-style: chr16-2079259-C-T. GRCh37 (hg19) VCF-style: chr16-2129260-C-T.
Other names: c.3132-17C>T (NM_001114382.3); c.3003-17C>T (NM_021055.3, NM_001370405.1, NM_001363528.2); c.3000-17C>T (NM_001370404.1, NM_001077183.3); c.2892-17C>T (NM_001318827.2); c.2400-17C>T (NM_001318831.2); c.2856-17C>T (NM_001318829.2); c.3033-17C>T (NM_001318832.2).
Identifiers: ClinVar variation 1560492 (VCV001560492.9), dbSNP rs781476832, ClinGen allele CA044471.